The following is an entry in ClinVar:

ClinVar aggregate classification (germline): Uncertain significance. Review status: criteria provided, multiple submitters, no conflicts (2 of 4 stars). 2 submissions from 2 submitters: Uncertain significance (2). Last evaluated 2026-04-30.

Conditions:
EPILEPSY, CHILDHOOD ABSENCE, SUSCEPTIBILITY TO, 2 (ECA2). Identifiers: Orphanet 64280, MedGen C1843244, OMIM 607681.
Febrile seizures, familial, 8 (FEB8). Also called: CONVULSIONS, FAMILIAL FEBRILE, 8. Identifiers: Orphanet 36387, MedGen C1969810, MONDO:0011891, OMIM 607681.

Allele frequency attached by ClinVar (database versions not stated): gnomAD exomes below 0.00001.

Submissions (2):

Women's Health and Genetics/Laboratory Corporation of America, LabCorp
Classification: Uncertain significance. Last evaluated: 2026-04-30. Review status: criteria provided, single submitter. Criteria: LabCorp Variant Classification Summary - May 2015. Collection method: clinical testing. Allele origin: germline.
Comment: Variant summary: GABRG2 c.548+6C>A alters a nucleotide located close to a canonical splice site and therefore could affect mRNA splicing, leading to a significantly altered protein sequence. Consensus agreement among computation tools predict no significant impact on normal splicing. However, these predictions have yet to be confirmed by functional studies. The variant allele was found at a frequency of 4e-06 in 250354 control chromosomes. The available data on variant occurrences in the general population are insufficient to allow any conclusion about variant significance. To our knowledge, no occurrence of c.548+6C>A in individuals affected with GABRG2-related conditions and no experimental evidence demonstrating its impact on protein function have been reported. ClinVar contains an entry for this variant (Variation ID: 1515344). Based on the evidence outlined above, the variant was classified as uncertain significance.

Labcorp Genetics (formerly Invitae), Labcorp
Classification: Uncertain significance for Febrile seizures, familial, 8; EPILEPSY, CHILDHOOD ABSENCE, SUSCEPTIBILITY TO, 2. Last evaluated: 2023-11-27. Review status: criteria provided, single submitter. Criteria: Invitae Variant Classification Sherloc (09022015). Collection method: clinical testing. Allele origin: germline.
Comment: This sequence change falls in intron 4 of the GABRG2 gene. It does not directly change the encoded amino acid sequence of the GABRG2 protein. It affects a nucleotide within the consensus splice site. This variant is present in population databases (no rsID available, gnomAD 0.006%). This variant has not been reported in the literature in individuals affected with GABRG2-related conditions. ClinVar contains an entry for this variant (Variation ID: 1515344). Variants that disrupt the consensus splice site are a relatively common cause of aberrant splicing (PMID: 17576681, 9536098). Algorithms developed to predict the effect of sequence changes on RNA splicing suggest that this variant is not likely to affect RNA splicing. In summary, the available evidence is currently insufficient to determine the role of this variant in disease. Therefore, it has been classified as a Variant of Uncertain Significance.

Literature cited by the submitters: PubMed 17576681 (cited by Labcorp Genetics (formerly Invitae), Labcorp); PubMed 9536098 (cited by Labcorp Genetics (formerly Invitae), Labcorp).

NM_198904.4(GABRG2):c.548+6C>A

Gene: GABRG2 (gamma-aminobutyric acid type A receptor subunit gamma2; plus strand). Cytogenetic location: 5q34.
Variant type: single nucleotide variant.
Coding change: c.548+6C>A on transcript NM_198904.4 (MANE Select); 6 bases into the intron after coding-DNA position 548, C replaced by A.
Molecular consequence: intron variant.
Genome position (GRCh38, 1-based): chr5:162,097,864, C>A. VCF-style: chr5-162097864-C-A. GRCh37 (hg19) VCF-style: chr5-161524870-C-A.
Other names: c.263+6C>A (NM_001375349.1); c.548+6C>A (NM_001375343.1, NM_001375344.1, NM_001375340.1 and 4 more transcripts); c.128+6C>A (NM_001375350.1, NM_001375348.1); c.539+6C>A (NM_001375339.1); c.482+6C>A (NM_001375346.1, NM_001375345.1); c.461+6C>A (NM_001375347.1).
Identifiers: ClinVar variation 1515344 (VCV001515344.7), dbSNP rs956763211, ClinGen allele CA131111686.